The following is an entry in ClinVar:

NM_000878.5(IL2RB):c.1420C>A (p.Pro474Thr)

Gene: IL2RB (interleukin 2 receptor subunit beta; minus strand). Cytogenetic location: 22q12.3.
Variant type: single nucleotide variant.
Coding change: c.1420C>A on transcript NM_000878.5 (MANE Select); coding-DNA position 1420, C replaced by A.
Protein change: p.Pro474Thr; replaces proline 474 with threonine.
Molecular consequence: missense variant.
Genome position (GRCh38, 1-based): chr22:37,128,332, G>T on the plus strand (C>A on the coding strand, the complement: IL2RB is on the minus strand). VCF-style: chr22-37128332-G-T. GRCh37 (hg19) VCF-style: chr22-37524372-G-T.
Other names: c.1420C>A, p.Pro474Thr (NM_001346222.1, NM_001346223.2); c.1420C>A (NM_000878.2); short protein forms P474T.
Identifiers: ClinVar variation 1486403 (VCV001486403.9), dbSNP rs1292282900, ClinGen allele CA411424127.

ClinVar aggregate classification (germline): Uncertain significance. Review status: criteria provided, multiple submitters, no conflicts (2 of 4 stars). 2 submissions from 2 submitters: Uncertain significance (2). Last evaluated 2022-12-01.

Allele frequency attached by ClinVar (database versions not stated): gnomAD 0.00001; gnomAD exomes 0.00001; TOPMed 0.00001.
gnomAD v4.1: 30 of 1,501,584 alleles (0.002%); highest among the groups gnomAD compares: Non-Finnish European, 0.0027%; no homozygotes.

Submissions (2):

Ambry Genetics
Classification: Uncertain significance. Last evaluated: 2022-12-01. Review status: criteria provided, single submitter. Criteria: Ambry Variant Classification Scheme 2023. Collection method: clinical testing. Allele origin: germline.

Labcorp Genetics (formerly Invitae), Labcorp
Classification: Uncertain significance. Last evaluated: 2022-08-19. Review status: criteria provided, single submitter. Criteria: Invitae Variant Classification Sherloc (09022015). Collection method: clinical testing. Allele origin: germline.
Comment: This sequence change replaces proline, which is neutral and non-polar, with threonine, which is neutral and polar, at codon 474 of the IL2RB protein (p.Pro474Thr). In summary, the available evidence is currently insufficient to determine the role of this variant in disease. Therefore, it has been classified as a Variant of Uncertain Significance. Algorithms developed to predict the effect of missense changes on protein structure and function (SIFT, PolyPhen-2, Align-GVGD) all suggest that this variant is likely to be tolerated. ClinVar contains an entry for this variant (Variation ID: 1486403). This variant has not been reported in the literature in individuals affected with IL2RB-related conditions. This variant is present in population databases (no rsID available, gnomAD 0.001%).